The following is an entry in ClinVar:

NM_024675.4(PALB2):c.119G>C (p.Arg40Thr)

Gene: PALB2 (partner and localizer of BRCA2; minus strand). Cytogenetic location: 16p12.2.
Variant type: single nucleotide variant.
Coding change: c.119G>C on transcript NM_024675.4 (MANE Select); coding-DNA position 119, G replaced by C.
Protein change: p.Arg40Thr; replaces arginine 40 with threonine.
Molecular consequence: missense variant.
Genome position (GRCh38, 1-based): chr16:23,637,942, C>G on the plus strand (G>C on the coding strand, the complement: PALB2 is on the minus strand). VCF-style: chr16-23637942-C-G. GRCh37 (hg19) VCF-style: chr16-23649263-C-G.
Other names: short protein forms R40T.
Identifiers: ClinVar variation 830090 (VCV000830090.5), dbSNP rs573118236, ClinGen allele CA395139441.
Genomic context (GRCh38, chr16:23,637,942, plus strand): 5'-TGAGACAAACAATCTTGTTCTTCTACTGTTTTCTTAATAGAATGCTTAATCTTTTCAGCT[C>G]TTTGGGCACGCTAGAGGAGACAAAAACAGCCCCAGAAATACGTTTTCTTTAAAGTTTTAT-3'
Protein context (NP_078951.2, residues 30-50): KTLARLQRAQ[Arg40Thr]AEKIKHSIKK

ClinVar aggregate classification (germline): Uncertain significance. Review status: criteria provided, multiple submitters, no conflicts (2 of 4 stars). 3 submissions from 3 submitters: Uncertain significance (2). 1 of the submissions does not count toward it. Last evaluated 2021-05-17.

Conditions:
Hereditary cancer-predisposing syndrome. Also called: Hereditary neoplastic syndrome; Neoplastic Syndromes, Hereditary; Tumor predisposition; Hereditary Cancer Syndrome. Identifiers: Orphanet 140162, MedGen C0027672, MeSH D009386, MONDO:0015356.

Submissions (3):

Ambry Genetics
Classification: Uncertain significance for Hereditary cancer-predisposing syndrome. Last evaluated: 2021-05-17. Review status: criteria provided, single submitter. Criteria: Ambry Variant Classification Scheme 2023. Collection method: clinical testing. Allele origin: germline.
Comment: The p.R40T variant (also known as c.119G>C), located in coding exon 3 of the PALB2 gene, results from a G to C substitution at nucleotide position 119. The arginine at codon 40 is replaced by threonine, an amino acid with similar properties. This alteration was observed with an allele frequency of 0.00014 in 7,051 unselected female breast cancer patients and was observed with an allele frequency of 0 in 11,241 female controls of Japanese ancestry (Momozawa Y et al. Nat Commun, 2018 10;9:4083). This amino acid position is well conserved in available vertebrate species. In addition, this alteration is predicted to be tolerated by in silico analysis. Since supporting evidence is limited at this time, the clinical significance of this alteration remains unclear.

GeneDx
Classification: Uncertain significance. Last evaluated: 2015-07-14. Review status: criteria provided, single submitter. Criteria: GeneDx Variant Classification Process June 2021. Collection method: clinical testing. Allele origin: germline. Affected: yes.
Comment: Not observed in large population cohorts (Lek 2016); In silico analysis supports that this missense variant has a deleterious effect on protein structure/function; Has not been previously published as pathogenic or benign to our knowledge; This variant is associated with the following publications: (PMID: 30287823)

Leiden Open Variation Database
Classification: Uncertain significance. Last evaluated: 2018-10-10. Review status: no assertion criteria provided. Collection method: curation. Allele origin: germline. Affected: yes. Not counted in ClinVar's aggregate classification.
Comment: Curators: Marc Tischkowitz, Arleen D. Auerbach. Submitter to LOVD: Yukihide Momozawa.

Literature cited by the submitters: PubMed 30287823 (cited by Ambry Genetics and Leiden Open Variation Database).